The following is an entry in ClinVar:

NM_001182.5(ALDH7A1):c.733G>A (p.Gly245Ser)

Gene: ALDH7A1 (aldehyde dehydrogenase 7 family member A1; minus strand). Cytogenetic location: 5q23.2.
Variant type: single nucleotide variant.
Coding change: c.733G>A on transcript NM_001182.5 (MANE Select); coding-DNA position 733, G replaced by A.
Protein change: p.Gly245Ser; replaces glycine 245 with serine.
Molecular consequence: missense variant.
Genome position (GRCh38, 1-based): chr5:126,570,822, C>T on the plus strand (G>A on the coding strand, the complement: ALDH7A1 is on the minus strand). VCF-style: chr5-126570822-C-T. GRCh37 (hg19) VCF-style: chr5-125906514-C-T.
Other names: c.649G>A, p.Gly217Ser (NM_001201377.2); c.733G>A, p.Gly245Ser (NM_001202404.2); short protein forms G245S, G217S.
Identifiers: ClinVar variation 1758405 (VCV001758405.2), dbSNP rs2480304658, ClinGen allele CA360730187.

ClinVar aggregate classification (germline): Uncertain significance (1 of 4 stars; one submission).

Conditions:
Inborn genetic diseases. Identifiers: MedGen C0950123, MeSH D030342.

Submission:

Ambry Genetics
Classification: Uncertain significance for Inborn genetic diseases. Last evaluated: 2023-11-17. Review status: criteria provided, single submitter. Criteria: Ambry Variant Classification Scheme 2023. Collection method: clinical testing. Allele origin: germline.
Comment: The p.G245S variant (also known as c.733G>A), located in coding exon 8 of the ALDH7A1 gene, results from a G to A substitution at nucleotide position 733. The glycine at codon 245 is replaced by serine, an amino acid with similar properties. This amino acid position is highly conserved in available vertebrate species. In addition, this alteration is predicted to be deleterious by in silico analysis. Since supporting evidence is limited at this time, the clinical significance of this alteration remains unclear.